The following is an entry in ClinVar:

NM_032802.4(SPPL2A):c.161G>T (p.Ser54Ile)

Gene: SPPL2A (signal peptide peptidase like 2A; minus strand). Cytogenetic location: 15q21.2.
Variant type: single nucleotide variant.
Coding change: c.161G>T on transcript NM_032802.4 (MANE Select); coding-DNA position 161, G replaced by T.
Protein change: p.Ser54Ile; replaces serine 54 with isoleucine.
Molecular consequence: missense variant.
Genome position (GRCh38, 1-based): chr15:50,749,652, C>A on the plus strand (G>T on the coding strand, the complement: SPPL2A is on the minus strand). VCF-style: chr15-50749652-C-A. GRCh37 (hg19) VCF-style: chr15-51041849-C-A.
Other names: short protein forms S54I.
Identifiers: ClinVar variation 2544234 (VCV002544234.5), dbSNP rs765774924, ClinGen allele CA7558564.

ClinVar aggregate classification (germline): Uncertain significance. Review status: criteria provided, multiple submitters, no conflicts (2 of 4 stars). 2 submissions from 2 submitters: Uncertain significance (2). Last evaluated 2023-05-05.

Allele frequency attached by ClinVar (database versions not stated): gnomAD 0.00001; gnomAD exomes 0.00001; ExAC 0.00002.
gnomAD v4.1: 11 of 1,595,606 alleles (0.00069%); highest among the groups gnomAD compares: East Asian, 0.025%; no homozygotes.

Submissions (2):

Ambry Genetics
Classification: Uncertain significance. Last evaluated: 2023-05-05. Review status: criteria provided, single submitter. Criteria: Ambry Variant Classification Scheme 2023. Collection method: clinical testing. Allele origin: germline.

Labcorp Genetics (formerly Invitae), Labcorp
Classification: Uncertain significance. Last evaluated: 2022-11-01. Review status: criteria provided, single submitter. Criteria: Invitae Variant Classification Sherloc (09022015). Collection method: clinical testing. Allele origin: germline.
Comment: In summary, the available evidence is currently insufficient to determine the role of this variant in disease. Therefore, it has been classified as a Variant of Uncertain Significance. Algorithms developed to predict the effect of missense changes on protein structure and function are either unavailable or do not agree on the potential impact of this missense change (SIFT: "Tolerated"; PolyPhen-2: "Possibly Damaging"; Align-GVGD: "Class C0"). This variant has not been reported in the literature in individuals affected with SPPL2A-related conditions. This variant is present in population databases (rs765774924, gnomAD 0.04%). This sequence change replaces serine, which is neutral and polar, with isoleucine, which is neutral and non-polar, at codon 54 of the SPPL2A protein (p.Ser54Ile).